The following is an entry in ClinVar:

ClinVar aggregate classification (germline): Likely pathogenic (1 of 4 stars; one submission).

Conditions:
Familial cancer of breast. Also called: BREAST CANCER, FAMILIAL; Hereditary breast cancer; hereditary breast carcinoma. Identifiers: Orphanet 227535, MedGen C0346153, MONDO:0016419, OMIM 114480. Disease mechanism: loss of function.
Fanconi anemia complementation group J. Also called: BRIP1-Related Fanconi Anemia. Identifiers: Orphanet 84, MedGen C1836860, MONDO:0012187, OMIM 609054.

Submission:

Labcorp Genetics (formerly Invitae), Labcorp
Classification: Likely pathogenic for Hereditary Breast Carcinoma; Fanconi anemia, complementation group J. Last evaluated: 2019-09-05. Review status: criteria provided, single submitter. Criteria: Invitae Variant Classification Sherloc (09022015). Collection method: clinical testing. Allele origin: germline.
Comment: This sequence change is a complex rearrangement that results in deletion of the genomic region encompassing part of exon 8 (c.918+2790_1121delins63) of the BRIP1 gene. It is expected to disrupt RNA splicing and likely results in an absent or disrupted protein product. This variant has not been reported in the literature in individuals with BRIP1-related conditions. Loss-of-function variants in BRIP1 are known to be pathogenic (PMID: 16116423, 17033622, 21964575). In summary, the currently available evidence indicates that the variant is pathogenic, but additional data are needed to prove that conclusively. Therefore, this variant has been classified as Likely Pathogenic.

NM_032043.3(BRIP1):c.918+2790_1121del

Gene: BRIP1 (BRCA1 interacting DNA helicase 1; minus strand). Cytogenetic location: 17q23.2.
Variant type: Deletion.
Coding change: c.918+2790_1121del on transcript NM_032043.3 (MANE Select); 2790 bases into the intron after coding-DNA position 918 through coding-DNA position 1121, 4,406 bases deleted.
Molecular consequence: splice acceptor variant.
Genome position (GRCh38, 1-based): chr17:61,801,272-61,805,677, 4,406 bases deleted. GRCh37 (hg19): chr17:59,878,633-59,883,038.
Identifiers: ClinVar variation 944523 (VCV000944523.2), ClinGen allele CA1139665793.